The following is an entry in ClinVar:

ClinVar aggregate classification (germline): Likely benign (1 of 4 stars; one submission).

gnomAD v4.1: 8,877 of 1,611,794 alleles (0.55%); highest among the groups gnomAD compares: Non-Finnish European, 0.68%; 34 homozygotes.

Submission:

CeGaT Center for Human Genetics Tuebingen
Classification: Likely benign. Last evaluated: 2025-09-01. Review status: criteria provided, single submitter. Criteria: CeGaT Center For Human Genetics Tuebingen Variant Classification Criteria Version 2. Collection method: clinical testing. Allele origin: germline. Affected: yes. Observed: 1 variant allele.
Comment: RGPD3: PP3, BS2

NM_001144013.2(RGPD3):c.4054G>A (p.Glu1352Lys)

Gene: RGPD3 (RANBP2 like and GRIP domain containing 3; minus strand). Cytogenetic location: 2q12.2.
Variant type: single nucleotide variant.
Coding change: c.4054G>A on transcript NM_001144013.2 (MANE Select); coding-DNA position 4054, G replaced by A.
Protein change: p.Glu1352Lys; replaces glutamic acid 1352 with lysine.
Molecular consequence: missense variant.
Genome position (GRCh38, 1-based): chr2:106,423,913, C>T on the plus strand (G>A on the coding strand, the complement: RGPD3 is on the minus strand). VCF-style: chr2-106423913-C-T. GRCh37 (hg19) VCF-style: chr2-107040369-C-T.
Other names: short protein forms E1352K.
Identifiers: ClinVar variation 4280883 (VCV004280883.7).